The following is an entry in ClinVar:

ClinVar aggregate classification (germline): Benign/Likely benign. Review status: criteria provided, multiple submitters, no conflicts (2 of 4 stars). 3 submissions from 3 submitters: Benign (1); Likely benign (2). Last evaluated 2025-12-01.

Allele frequency attached by ClinVar (database versions not stated): ExAC 0.00017; gnomAD 0.00025; ESP Exome Variant Server 0.00054.
gnomAD v4.1: 488 of 1,613,960 alleles (0.03%); highest among the groups gnomAD compares: Non-Finnish European, 0.04%; 1 homozygote.

Submissions (3):

Labcorp Genetics (formerly Invitae), Labcorp
Classification: Likely benign. Last evaluated: 2025-12-01. Review status: criteria provided, single submitter. Criteria: Invitae Variant Classification Sherloc (09022015). Collection method: clinical testing. Allele origin: germline.

Blueprint Genetics
Classification: Likely benign. Last evaluated: 2024-10-17. Review status: criteria provided, single submitter. Criteria: ACMG Guidelines, 2015. Collection method: clinical testing. Allele origin: germline.

CeGaT Center for Human Genetics Tuebingen
Classification: Benign. Last evaluated: 2023-03-01. Review status: criteria provided, single submitter. Criteria: CeGaT Center For Human Genetics Tuebingen Variant Classification Criteria Version 2. Collection method: clinical testing. Allele origin: germline. Affected: yes. Observed: 1 variant allele.
Comment: FN1: BS1, BS2

NM_212482.4(FN1):c.1601G>A (p.Arg534His)

Genes: FN1 (fibronectin 1; minus strand), LOC122861289 (Sharpr-MPRA regulatory region 10603; plus strand). Cytogenetic location: 2q35.
Variant type: single nucleotide variant.
Coding change: c.1601G>A on transcript NM_212482.4 (MANE Select); coding-DNA position 1601, G replaced by A.
Protein change: p.Arg534His; replaces arginine 534 with histidine.
Molecular consequence: missense variant.
Genome position (GRCh38, 1-based): chr2:215,420,747, C>T on the plus strand (G>A on the coding strand, the complement: FN1 is on the minus strand). VCF-style: chr2-215420747-C-T. GRCh37 (hg19) VCF-style: chr2-216285470-C-T.
Other names: c.1601G>A, p.Arg534His (NM_001306129.2, NM_001306130.2, NM_001306131.2 and 14 more transcripts); short protein forms R534H.
Identifiers: ClinVar variation 1051443 (VCV001051443.35), dbSNP rs142165052, ClinGen allele CA2095237.
Genomic context (GRCh38, chr2:215,420,747, plus strand): 5'-TTCCACCTGCCCCGACCCTGACCGAAGCATGTACAGTTCAGCATGTGCCCCTCTTCATGA[C>T]GCTTGTGGAATGTGTCGTTCACATTGTAAGTGATGTCATCAACAATGCACTGATCTGTTT-3'
Protein context (NP_997647.2, residues 524-544): TYNVNDTFHK[Arg534His]HEEGHMLNCT